The following is an entry in ClinVar:

ClinVar aggregate classification (germline): Uncertain significance (1 of 4 stars; one submission).

Submission:

Ambry Genetics
Classification: Uncertain significance. Last evaluated: 2025-05-06. Review status: criteria provided, single submitter. Criteria: Ambry Variant Classification Scheme 2023. Collection method: clinical testing. Allele origin: germline.
Comment: The p.P163S variant (also known as c.487C>T), located in coding exon 1 of the WNK2 gene, results from a C to T substitution at nucleotide position 487. The proline at codon 163 is replaced by serine, an amino acid with similar properties. This amino acid position is conserved. In addition, this alteration is predicted to be tolerated by in silico analysis. Based on the available evidence, the clinical significance of this variant remains unclear.

NM_006648.4(WNK2):c.487C>T (p.Pro163Ser)

Gene: WNK2 (WNK lysine deficient protein kinase 2; plus strand). Cytogenetic location: 9q22.31.
Variant type: single nucleotide variant.
Coding change: c.487C>T on transcript NM_006648.4 (MANE Select); coding-DNA position 487, C replaced by T.
Protein change: p.Pro163Ser; replaces proline 163 with serine.
Molecular consequence: missense variant.
Genome position (GRCh38, 1-based): chr9:93,185,416, C>T. VCF-style: chr9-93185416-C-T. GRCh37 (hg19) VCF-style: chr9-95947698-C-T.
Other names: c.487C>T, p.Pro163Ser (NM_001282394.3); short protein forms P163S.
Identifiers: ClinVar variation 3190642 (VCV003190642.2), dbSNP rs2538316244, ClinGen allele CA374055685.